The following is an entry in ClinVar:

NM_001256317.3(TMPRSS3):c.1187G>T (p.Cys396Phe)

Gene: TMPRSS3 (transmembrane serine protease 3; minus strand). Cytogenetic location: 21q22.3.
Variant type: single nucleotide variant.
Coding change: c.1187G>T on transcript NM_001256317.3 (MANE Select); coding-DNA position 1187, G replaced by T.
Protein change: p.Cys396Phe; replaces cysteine 396 with phenylalanine.
Molecular consequence: missense variant.
Genome position (GRCh38, 1-based): chr21:42,376,545, C>A on the plus strand (G>T on the coding strand, the complement: TMPRSS3 is on the minus strand). VCF-style: chr21-42376545-C-A. GRCh37 (hg19) VCF-style: chr21-43796654-C-A.
Other names: c.1190G>T, p.Cys397Phe (NM_024022.4); c.809G>T, p.Cys270Phe (NM_032404.3); short protein forms C397F, C270F, C396F.
Identifiers: ClinVar variation 618433 (VCV000618433.10), dbSNP rs773711263, ClinGen allele CA10042312.

ClinVar aggregate classification (germline): Uncertain significance. Review status: criteria provided, multiple submitters, no conflicts (2 of 4 stars). 2 submissions from 2 submitters: Uncertain significance (2). Last evaluated 2023-12-19.

Conditions:
Inborn genetic diseases. Identifiers: MedGen C0950123, MeSH D030342.

Allele frequency attached by ClinVar (database versions not stated): TOPMed 0.00001; gnomAD exomes below 0.00001; ExAC 0.00001; gnomAD 0.00001.
gnomAD v4.1: 2 of 1,613,158 alleles (0.00012%); highest among the groups gnomAD compares: Non-Finnish European, 0.00017%; no homozygotes.

Submissions (2):

Ambry Genetics
Classification: Uncertain significance for Inborn genetic diseases. Last evaluated: 2023-12-19. Review status: criteria provided, single submitter. Criteria: Ambry Variant Classification Scheme 2023. Collection method: clinical testing. Allele origin: germline.
Comment: The c.1190G>T (p.C397F) alteration is located in exon 11 (coding exon 10) of the TMPRSS3 gene. This alteration results from a G to T substitution at nucleotide position 1190, causing the cysteine (C) at amino acid position 397 to be replaced by a phenylalanine (F). Based on data from gnomAD, the T allele has an overall frequency of <0.001% (1/250302) total alleles studied. The highest observed frequency was 0.001% (1/112974) of European (non-Finnish) alleles. This amino acid position is highly conserved in available vertebrate species. This alteration is predicted to be deleterious by in silico analysis. Based on insufficient or conflicting evidence, the clinical significance of this alteration remains unclear.

ARUP Laboratories, Molecular Genetics and Genomics, ARUP Laboratories
Classification: Uncertain significance. Last evaluated: 2018-01-23. Review status: criteria provided, single submitter. Criteria: ARUP Molecular Germline Variant Investigation Process. Collection method: clinical testing. Allele origin: germline.
Comment: The p.Cys397Phe variant (rs773711263) has not been reported in the medical literature or gene specific variation databases. This variant is in the serine protease domain of TMPRSS3 where numerous variants in this domain have been reported in patients with hereditary hearing loss and segregating with disease (Ganapathy 2014, Gao 2017, Masmoudi 2001). This variant is listed in the Genome Aggregation Database (gnomAD) identified on 2 chromosomes out of 245,576, is highly conserved across 12 species, and all computation predictors indicate a deleterious effect on protein structure and function (SIFT: damaging, MutationTaster: disease causing, PolyPhen-2: probably damaging). Altogether, there is not enough evidence to classify the p.Cys397Phe variant with certainty.